The following is an entry in ClinVar:

NM_000540.3(RYR1):c.2216C>T (p.Pro739Leu)

Gene: RYR1 (ryanodine receptor 1; plus strand). Cytogenetic location: 19q13.2.
Variant type: single nucleotide variant.
Coding change: c.2216C>T on transcript NM_000540.3 (MANE Select); coding-DNA position 2216, C replaced by T.
Protein change: p.Pro739Leu; replaces proline 739 with leucine.
Molecular consequence: missense variant.
Genome position (GRCh38, 1-based): chr19:38,459,194, C>T. VCF-style: chr19-38459194-C-T. GRCh37 (hg19) VCF-style: chr19-38949834-C-T.
Other names: c.2216C>T, p.Pro739Leu (NM_001042723.2); short protein forms P739L.
Identifiers: ClinVar variation 3069939 (VCV003069939.5), dbSNP rs760127779, ClinGen allele CA063022.

ClinVar aggregate classification (germline): Uncertain significance. Review status: criteria provided, multiple submitters, no conflicts (2 of 4 stars). 4 submissions from 4 submitters: Uncertain significance (4). Last evaluated 2024-10-23.

Conditions:
RYR1-related disorder. Also called: RYR1-related condition; RYR1-related disorders. Identifiers: MedGen CN239331.
Inborn genetic diseases. Identifiers: MedGen C0950123, MeSH D030342.
Malignant hyperthermia, susceptibility to, 1 (MHS1). Also called: RYR1-Related Malignant Hyperthermia Susceptibility; Anesthesia related hyperthermia; Malignant hyperpyrexia; Fulminating hyperpyrexia; Pharmacogenic myopathy; Malignant hyperthermia suceptibility 1. Identifiers: Orphanet 423, MedGen C2930980, MONDO:0007783, OMIM 145600.

Allele frequency attached by ClinVar (database versions not stated): ExAC 0.00001; TOPMed 0.00002.

Submissions (4):

Labcorp Genetics (formerly Invitae), Labcorp
Classification: Uncertain significance for RYR1-related disorder. Last evaluated: 2024-10-23. Review status: criteria provided, single submitter. Criteria: Invitae Variant Classification Sherloc (09022015). Collection method: clinical testing. Allele origin: germline.
Comment: This sequence change replaces proline, which is neutral and non-polar, with leucine, which is neutral and non-polar, at codon 739 of the RYR1 protein (p.Pro739Leu). This variant is present in population databases (rs760127779, gnomAD no frequency). This variant has not been reported in the literature in individuals affected with RYR1-related conditions. Invitae Evidence Modeling of protein sequence and biophysical properties (such as structural, functional, and spatial information, amino acid conservation, physicochemical variation, residue mobility, and thermodynamic stability) indicates that this missense variant is not expected to disrupt RYR1 protein function with a negative predictive value of 95%. In summary, the available evidence is currently insufficient to determine the role of this variant in disease. Therefore, it has been classified as a Variant of Uncertain Significance.

Revvity Omics, Revvity
Classification: Uncertain significance. Last evaluated: 2024-10-21. Review status: criteria provided, single submitter. Criteria: ACMG Guidelines, 2015. Collection method: clinical testing. Allele origin: germline.

All of Us Research Program, National Institutes of Health
Classification: Uncertain significance for Malignant hyperthermia, susceptibility to, 1. Last evaluated: 2023-12-18. Review status: criteria provided, single submitter. Criteria: ACMG Guidelines, 2015. Collection method: clinical testing. Allele origin: germline. Inheritance: Autosomal dominant inheritance. Observed: 2 variant alleles, 2 heterozygotes.
Comment: This missense variant replaces proline with leucine at codon 739 of the RYR1 protein. Computational prediction suggests that this variant may not impact protein structure and function (internally defined REVEL score threshold <= 0.5, PMID: 27666373). To our knowledge, functional studies have not been reported for this variant. This variant has not been reported in individuals affected with RYR1-related disorders in the literature. This variant has been identified in 1/251380 chromosomes in the general population by the Genome Aggregation Database (gnomAD). The available evidence is insufficient to determine the role of this variant in disease conclusively. Therefore, this variant is classified as a Variant of Uncertain Significance.

This study involves interpretation of variants in research participants for the purpose of population health screening. Participant phenotype was not available at the time of variant classification. Additional details can be found in publication PMID: 35346344, PMCID: PMC8962531

Ambry Genetics
Classification: Uncertain significance for Inborn genetic diseases. Last evaluated: 2023-11-28. Review status: criteria provided, single submitter. Criteria: Ambry Variant Classification Scheme 2023. Collection method: clinical testing. Allele origin: germline.